The following is an entry in ClinVar:

GRCh38/hg38 22q11.22-11.23(chr22:22655458-24643049)x3

Genes: ADORA2A (adenosine A2a receptor; plus strand), ADORA2A-AS1 (ADORA2A antisense RNA 1; minus strand), BCR (BCR activator of RhoGEF and GTPase; plus strand), C22orf15 (chromosome 22 open reading frame 15; plus strand), CABIN1 (calcineurin binding protein 1; plus strand) and 160 more. Cytogenetic location: 22q11.22-11.23.
Variant type: copy number gain.
Change: copy number 3 (three copies instead of two) of chr22:22,655,458-24,643,049 (1.99 Mb, GRCh38 coordinates, 1-based), cytogenetic band 22q11.22-11.23.
Identifiers: ClinVar variation 4796188 (VCV004796188.1).

ClinVar aggregate classification (germline): Uncertain significance (1 of 4 stars; one submission).

Submission:

Medical Genetic Center, Changzhi Maternal and Child Health Care Hospital
Classification: Uncertain significance. Last evaluated: 2025-12-10. Review status: criteria provided, single submitter. Criteria: ACMG/ClinGen CNV Guidelines, 2019. Collection method: clinical testing. Allele origin: unknown.
Comment: 22q11.2 recurrent region (distal type III, E/F-H) (includes SMARCB1) (TS Score = 1)